The following is an entry in ClinVar:

NM_024757.5(EHMT1):c.1376A>G (p.Glu459Gly)

Gene: EHMT1 (euchromatic histone lysine methyltransferase 1; plus strand). Cytogenetic location: 9q34.3.
Variant type: single nucleotide variant.
Coding change: c.1376A>G on transcript NM_024757.5 (MANE Select); coding-DNA position 1376, A replaced by G.
Protein change: p.Glu459Gly; replaces glutamic acid 459 with glycine.
Molecular consequence: missense variant.
Genome position (GRCh38, 1-based): chr9:137,757,886, A>G. VCF-style: chr9-137757886-A-G. GRCh37 (hg19) VCF-style: chr9-140652338-A-G.
Other names: c.1376A>G, p.Glu459Gly (NM_001145527.2, NM_001354611.2); c.1283A>G, p.Glu428Gly (NM_001354259.2, NM_001354612.2); c.1355A>G, p.Glu452Gly (NM_001354263.2); short protein forms E452G, E459G, E428G.
Identifiers: ClinVar variation 3726783 (VCV003726783.2).

ClinVar aggregate classification (germline): Uncertain significance (1 of 4 stars; one submission).

Conditions:
Kleefstra syndrome 1 (KLEFS1). Identifiers: Orphanet 261494, MedGen C0795833, MONDO:0027407, OMIM 610253.

Submission:

Labcorp Genetics (formerly Invitae), Labcorp
Classification: Uncertain significance for Kleefstra syndrome 1. Last evaluated: 2024-12-07. Review status: criteria provided, single submitter. Criteria: Invitae Variant Classification Sherloc (09022015). Collection method: clinical testing. Allele origin: germline.
Comment: This sequence change replaces glutamic acid, which is acidic and polar, with glycine, which is neutral and non-polar, at codon 459 of the EHMT1 protein (p.Glu459Gly). This variant is not present in population databases (gnomAD no frequency). This variant has not been reported in the literature in individuals affected with EHMT1-related conditions. An algorithm developed to predict the effect of missense changes on protein structure and function (PolyPhen-2) suggests that this variant is likely to be tolerated. In summary, the available evidence is currently insufficient to determine the role of this variant in disease. Therefore, it has been classified as a Variant of Uncertain Significance.